The following is an entry in ClinVar:

ClinVar aggregate classification (germline): Likely benign (1 of 4 stars; one submission).

Submission:

GeneDx
Classification: Likely benign. Last evaluated: 2017-06-14. Review status: criteria provided, single submitter. Criteria: GeneDx Variant Classification (06012015). Collection method: clinical testing. Allele origin: germline. Affected: yes.
Comment: This variant is considered likely benign or benign based on one or more of the following criteria: it is a conservative change, it occurs at a poorly conserved position in the protein, it is predicted to be benign by multiple in silico algorithms, and/or has population frequency not consistent with disease.

NM_000093.5(COL5A1):c.534C>T (p.Thr178=)

Gene: COL5A1 (collagen type V alpha 1 chain; plus strand). Cytogenetic location: 9q34.3.
Variant type: single nucleotide variant.
Coding change: c.534C>T on transcript NM_000093.5 (MANE Select); coding-DNA position 534, C replaced by T.
Protein change: p.Thr178=; no amino-acid change (threonine 178 retained).
Molecular consequence: synonymous variant.
Genome position (GRCh38, 1-based): chr9:134,701,213, C>T. VCF-style: chr9-134701213-C-T. GRCh37 (hg19) VCF-style: chr9-137593059-C-T.
Other names: c.534C>T, p.Thr178= (NM_001278074.1).
Identifiers: ClinVar variation 517973 (VCV000517973.1), dbSNP rs1554781685, ClinGen allele CA467654986.